The following is an entry in ClinVar:

NM_197947.3(CLEC7A):c.714T>G (p.Tyr238Ter)

Gene: CLEC7A (C-type lectin domain containing 7A; minus strand). Cytogenetic location: 12p13.2.
Variant type: single nucleotide variant.
Coding change: c.714T>G on transcript NM_197947.3 (MANE Select); coding-DNA position 714, T replaced by G.
Protein change: p.Tyr238Ter; replaces tyrosine 238 with a stop codon.
Molecular consequence: nonsense. On other transcripts: 3 prime UTR variant (2), non-coding transcript variant (1).
Genome position (GRCh38, 1-based): chr12:10,118,488, A>C on the plus strand (T>G on the coding strand, the complement: CLEC7A is on the minus strand). VCF-style: chr12-10118488-A-C. GRCh37 (hg19) VCF-style: chr12-10271087-A-C.
Other names: c.576T>G, p.Tyr192Ter (NM_022570.5); c.*25T>G (NM_197948.3, NM_197949.3); c.477T>G, p.Tyr159Ter (NM_197950.3); short protein forms Y238*, Y192*, Y159*.
Identifiers: ClinVar variation 4466 (VCV000004466.9), dbSNP rs16910526, ClinGen allele CA116873.

ClinVar aggregate classification (germline): Benign/Likely benign. Review status: criteria provided, multiple submitters, no conflicts (2 of 4 stars). 7 submissions from 6 submitters: Benign (3); Likely benign (1). 3 of the submissions do not count toward it. Last evaluated 2022-04-21.

Conditions:
Aspergillosis, susceptibility to. Identifiers: Orphanet 1163, MedGen C3279774, MONDO:0013562, OMIM 614079.
CLEC7A-related disorder. Also called: CLEC7A-related condition.
Familial chronic mucocutaneous candidiasis (CANDF4). Also called: Candidiasis, familial, 4, autosomal recessive; Candidiasis familial chronic mucocutaneous, autosomal recessive; Candidiasis, familial, 4. Identifiers: Orphanet 1334, MedGen C0341024, MONDO:0013140, OMIM 613108.

Allele frequency attached by ClinVar (database versions not stated): 1000 Genomes Project 30x 0.03966; 1000 Genomes Project 0.04093; gnomAD 0.04986; TOPMed 0.05298; gnomAD exomes 0.06198.

Submissions (7):

Fulgent Genetics
Classification: Likely benign for Familial chronic mucocutaneous candidiasis; Aspergillosis, susceptibility to. Last evaluated: 2022-04-21. Review status: criteria provided, single submitter. Criteria: ACMG Guidelines, 2015. Collection method: clinical testing. Allele origin: unknown.

Mendelics
Classification: Benign for Familial chronic mucocutaneous candidiasis. Last evaluated: 2019-05-28. Review status: criteria provided, single submitter. Criteria: Mendelics Assertion Criteria 2017. Collection method: clinical testing. Allele origin: unknown.

Laboratory for Molecular Medicine, Mass General Brigham Personalized Medicine
Classification: Benign. Last evaluated: 2016-03-29. Review status: criteria provided, single submitter. Criteria: LMM Criteria. Collection method: clinical testing. Allele origin: germline.
Comment: Variant identified in a genome or exome case(s) and assessed due to predicted null impact of the variant or pathogenic assertions in the literature or databases. Disclaimer: This variant has not undergone full assessment. The following are preliminary notes: MAF

Breakthrough Genomics
Classification: Benign. Review status: criteria provided, single submitter. Criteria: ACMG Guidelines, 2015. Collection method: not provided. Allele origin: germline. Inheritance: Autosomal recessive inheritance. Affected: yes.

PreventionGenetics, part of Exact Sciences
Classification: Likely benign for CLEC7A-related condition. Last evaluated: 2022-05-10. Review status: no assertion criteria provided. Collection method: clinical testing. Allele origin: germline. Not counted in ClinVar's aggregate classification.
Comment: This variant is classified as likely benign based on ACMG/AMP sequence variant interpretation guidelines (Richards et al. 2015 PMID: 25741868, with internal and published modifications).

OMIM
Classification: Pathogenic for CANDIDIASIS, FAMILIAL, 4. Last evaluated: 2010-12-09. Review status: no assertion criteria provided. Collection method: literature only. Allele origin: germline. Not counted in ClinVar's aggregate classification.

OMIM
Classification: risk factor for ASPERGILLOSIS, SUSCEPTIBILITY TO. Last evaluated: 2010-12-09. Review status: no assertion criteria provided. Collection method: literature only. Allele origin: germline. Not counted in ClinVar's aggregate classification.

Literature cited by the submitters: PubMed 19864674 (cited by OMIM); PubMed 20807886 (cited by OMIM).